The following is an entry in ClinVar:

NM_000274.4(OAT):c.1039G>A (p.Glu347Lys)

Gene: OAT (ornithine aminotransferase; minus strand). Cytogenetic location: 10q26.13.
Variant type: single nucleotide variant.
Coding change: c.1039G>A on transcript NM_000274.4 (MANE Select); coding-DNA position 1039, G replaced by A.
Protein change: p.Glu347Lys; replaces glutamic acid 347 with lysine.
Molecular consequence: missense variant.
Genome position (GRCh38, 1-based): chr10:124,400,960, C>T on the plus strand (G>A on the coding strand, the complement: OAT is on the minus strand). VCF-style: chr10-124400960-C-T. GRCh37 (hg19) VCF-style: chr10-126089529-C-T.
Other names: c.625G>A, p.Glu209Lys (NM_001171814.2); c.1039G>A, p.Glu347Lys (NM_001322965.2, NM_001322966.2, NM_001322967.2 and 3 more transcripts); c.718G>A, p.Glu240Lys (NM_001322971.2); c.439G>A, p.Glu147Lys (NM_001322974.2); short protein forms E347K, E147K, E240K, E209K.
Identifiers: ClinVar variation 1491064 (VCV001491064.8), dbSNP rs2134450837, ClinGen allele CA378633760.

ClinVar aggregate classification (germline): Uncertain significance (1 of 4 stars; one submission).

Conditions:
Ornithine aminotransferase deficiency (GACR). Also called: Ornithine ketoacid aminotransferase deficiency; Gyrate atrophy; Gyrate atrophy of choroid and retina; Girate atrophy of the retina; HYPERORNITHINEMIA WITH GYRATE ATROPHY OF CHOROID AND RETINA; OAT DEFICIENCY. Identifiers: Orphanet 414, MedGen C0018425, MONDO:0009796, OMIM 258870.

Submission:

Labcorp Genetics (formerly Invitae), Labcorp
Classification: Uncertain significance for Ornithine aminotransferase deficiency. Last evaluated: 2024-12-16. Review status: criteria provided, single submitter. Criteria: Invitae Variant Classification Sherloc (09022015). Collection method: clinical testing. Allele origin: germline.
Comment: This sequence change replaces glutamic acid, which is acidic and polar, with lysine, which is basic and polar, at codon 347 of the OAT protein (p.Glu347Lys). This variant is not present in population databases (gnomAD no frequency). This variant has not been reported in the literature in individuals affected with OAT-related conditions. ClinVar contains an entry for this variant (Variation ID: 1491064). Invitae Evidence Modeling of protein sequence and biophysical properties (such as structural, functional, and spatial information, amino acid conservation, physicochemical variation, residue mobility, and thermodynamic stability) indicates that this missense variant is not expected to disrupt OAT protein function with a negative predictive value of 80%. In summary, the available evidence is currently insufficient to determine the role of this variant in disease. Therefore, it has been classified as a Variant of Uncertain Significance.